The following is an entry in ClinVar:

NM_002448.3(MSX1):c.561G>A (p.Leu187=)

Gene: MSX1 (msh homeobox 1; plus strand). Cytogenetic location: 4p16.2.
Variant type: single nucleotide variant.
Coding change: c.561G>A on transcript NM_002448.3 (MANE Select); coding-DNA position 561, G replaced by A.
Protein change: p.Leu187=; no amino-acid change (leucine 187 retained).
Molecular consequence: synonymous variant.
Genome position (GRCh38, 1-based): chr4:4,862,792, G>A. VCF-style: chr4-4862792-G-A. GRCh37 (hg19) VCF-style: chr4-4864519-G-A.
Identifiers: ClinVar variation 461601 (VCV000461601.22), dbSNP rs149960650, ClinGen allele CA2833074.

ClinVar aggregate classification (germline): Benign/Likely benign. Review status: criteria provided, multiple submitters, no conflicts (2 of 4 stars). 4 submissions from 4 submitters: Benign (2); Likely benign (1). 1 of the submissions does not count toward it. Last evaluated 2026-06-01.

Conditions:
MSX1-related disorder. Also called: MSX1-related condition.
Hypoplastic enamel-onycholysis-hypohidrosis syndrome (TNS). Also called: ECTODERMAL DYSPLASIA 3, TOOTH/NAIL TYPE; NAIL DYSPLASIA WITH HYPODONTIA; Tooth-and-Nail Syndrome; ECTODERMAL DYSPLASIA 3, WITKOP TYPE; WITKOP SYNDROME. Identifiers: Orphanet 2228, MedGen C0406735, MONDO:0008582, OMIM 189500.

Allele frequency attached by ClinVar (database versions not stated): 1000 Genomes Project 30x 0.00250; 1000 Genomes Project 0.00260; ExAC 0.00436; gnomAD exomes 0.00468 and 0.00754; gnomAD 0.00498 and 0.00512; TOPMed 0.00508; ESP Exome Variant Server 0.00600.
gnomAD v4.1: 11,738 of 1,613,562 alleles (0.73%); highest among the groups gnomAD compares: Non-Finnish European, 0.87%; 45 homozygotes.

Submissions (4):

CeGaT Center for Human Genetics Tuebingen
Classification: Likely benign. Last evaluated: 2026-06-01. Review status: criteria provided, single submitter. Criteria: CeGaT Center For Human Genetics Tuebingen Variant Classification Criteria Version 2. Collection method: clinical testing. Allele origin: germline. Affected: yes. Observed: 2 variant alleles.
Comment: MSX1: BP4, BP7, BS2

Labcorp Genetics (formerly Invitae), Labcorp
Classification: Benign for Hypoplastic enamel-onycholysis-hypohidrosis syndrome. Last evaluated: 2026-01-06. Review status: criteria provided, single submitter. Criteria: Invitae Variant Classification Sherloc (09022015). Collection method: clinical testing. Allele origin: germline.

Breakthrough Genomics
Classification: Benign. Review status: criteria provided, single submitter. Criteria: ACMG Guidelines, 2015. Collection method: not provided. Allele origin: germline. Inheritance: Autosomal dominant inheritance. Affected: yes.

PreventionGenetics, part of Exact Sciences
Classification: Benign for MSX1-related condition. Last evaluated: 2019-05-10. Review status: no assertion criteria provided. Collection method: clinical testing. Allele origin: germline. Not counted in ClinVar's aggregate classification.
Comment: This variant is classified as benign based on ACMG/AMP sequence variant interpretation guidelines (Richards et al. 2015 PMID: 25741868, with internal and published modifications).